The following is an entry in ClinVar:

NM_001387274.1(DCDC1):c.2653A>G (p.Asn885Asp)

Gene: DCDC1 (doublecortin domain containing 1; minus strand). Cytogenetic location: 11p14.1.
Variant type: single nucleotide variant.
Coding change: c.2653A>G on transcript NM_001387274.1 (MANE Select); coding-DNA position 2653, A replaced by G.
Protein change: p.Asn885Asp; replaces asparagine 885 with aspartic acid.
Molecular consequence: missense variant. On other transcripts: 5 prime UTR variant (2), non-coding transcript variant (1).
Genome position (GRCh38, 1-based): chr11:30,952,507, T>C on the plus strand (A>G on the coding strand, the complement: DCDC1 is on the minus strand). VCF-style: chr11-30952507-T-C. GRCh37 (hg19) VCF-style: chr11-30974054-T-C.
Other names: NM_001350255.1:c.1510A>G; c.2653A>G, p.Asn885Asp (NM_001367979.1); c.-649A>G (NM_001387275.1); c.-27A>G (NM_020869.4); short protein forms N885D.
Identifiers: ClinVar variation 3040380 (VCV003040380.2), dbSNP rs780669727, ClinGen allele CA5932012.

ClinVar aggregate classification (germline): Likely benign (0 of 4 stars; one submission).

Conditions:
DCDC1-related disorder. Also called: DCDC1-related condition.

Allele frequency attached by ClinVar (database versions not stated): ExAC 0.00001; gnomAD 0.00001; gnomAD exomes 0.00001; TOPMed 0.00003.
gnomAD v4.1: 15 of 1,589,392 alleles (0.00094%); highest among the groups gnomAD compares: East Asian, 0.031%; no homozygotes.

Submission:

PreventionGenetics, part of Exact Sciences
Classification: Likely benign for DCDC1-related condition. Last evaluated: 2019-09-30. Review status: no assertion criteria provided. Collection method: clinical testing. Allele origin: germline.
Comment: This variant is classified as likely benign based on ACMG/AMP sequence variant interpretation guidelines (Richards et al. 2015 PMID: 25741868, with internal and published modifications).